The following is an entry in ClinVar:

NM_005188.4(CBL):c.1484C>T (p.Pro495Leu)

Gene: CBL (Cbl proto-oncogene; plus strand). Cytogenetic location: 11q23.3.
Variant type: single nucleotide variant.
Coding change: c.1484C>T on transcript NM_005188.4 (MANE Select); coding-DNA position 1484, C replaced by T.
Protein change: p.Pro495Leu; replaces proline 495 with leucine.
Molecular consequence: missense variant.
Genome position (GRCh38, 1-based): chr11:119,285,021, C>T. VCF-style: chr11-119285021-C-T. GRCh37 (hg19) VCF-style: chr11-119155731-C-T.
Other names: short protein forms P495L.
Identifiers: ClinVar variation 378875 (VCV000378875.14), dbSNP rs373989524, ClinGen allele CA6318539.

ClinVar aggregate classification (germline): Uncertain significance. Review status: criteria provided, multiple submitters, no conflicts (2 of 4 stars). 5 submissions from 5 submitters: Uncertain significance (5). Last evaluated 2025-10-28.

Conditions:
RASopathy. Also called: rasopathies; Noonan spectrum disorder. Identifiers: Orphanet 536391, MedGen C5555857, MONDO:0021060.
Juvenile myelomonocytic leukemia (JMML). Also called: LEUKEMIA, JUVENILE MYELOMONOCYTIC, SOMATIC. Identifiers: Orphanet 86834, MedGen C0349639, MONDO:0011908, OMIM 607785, HP:0012209.
CBL-related disorder. Also called: CBL MUTATION-ASSOCIATED SYNDROME; CBL SYNDROME; NOONAN SYNDROME-LIKE DISORDER WITHOUT JUVENILE MYELOMONOCYTIC LEUKEMIA. Identifiers: Orphanet 363972, MedGen C3150803, MONDO:0013308, OMIM 613563.

Allele frequency attached by ClinVar (database versions not stated): ExAC 0.00002; gnomAD exomes 0.00002; TOPMed 0.00002; gnomAD 0.00003; ESP Exome Variant Server 0.00008.
gnomAD v4.1: 36 of 1,614,066 alleles (0.0022%); highest among the groups gnomAD compares: South Asian, 0.0055%; no homozygotes.

Submissions (5):

Labcorp Genetics (formerly Invitae), Labcorp
Classification: Uncertain significance for RASopathy. Last evaluated: 2025-10-28. Review status: criteria provided, single submitter. Criteria: Invitae Variant Classification Sherloc (09022015). Collection method: clinical testing. Allele origin: germline.
Comment: This sequence change replaces proline, which is neutral and non-polar, with leucine, which is neutral and non-polar, at codon 495 of the CBL protein (p.Pro495Leu). This variant is present in population databases (rs373989524, gnomAD 0.005%). This variant has not been reported in the literature in individuals affected with CBL-related conditions. ClinVar contains an entry for this variant (Variation ID: 378875). Invitae Evidence Modeling of protein sequence and biophysical properties (such as structural, functional, and spatial information, amino acid conservation, physicochemical variation, residue mobility, and thermodynamic stability) indicates that this missense variant is not expected to disrupt CBL protein function with a negative predictive value of 95%. In summary, the available evidence is currently insufficient to determine the role of this variant in disease. Therefore, it has been classified as a Variant of Uncertain Significance.

Women's Health and Genetics/Laboratory Corporation of America, LabCorp
Classification: Uncertain significance. Last evaluated: 2022-01-29. Review status: criteria provided, single submitter. Criteria: LabCorp Variant Classification Summary - May 2015. Collection method: clinical testing. Allele origin: germline.
Comment: Variant summary: CBL c.1484C>T (p.Pro495Leu) results in a non-conservative amino acid change in the encoded protein sequence. Five of five in-silico tools predict a damaging effect of the variant on protein function. The variant allele was found at a frequency of 2.4e-05 in 251474 control chromosomes. The available data on variant occurrences in the general population are insufficient to allow any conclusion about variant significance. c.1484C>T has been reported in the literature as a VUS in settings of multigene panel testing in an individual referred for genetic testing for dilated cardiomyopathy (DCM) (example, Ceyhan-Birsoy_2018). These report(s) do not provide unequivocal conclusions about association of the variant with Noonan Syndrome And Related Conditions. To our knowledge, no experimental evidence demonstrating an impact on protein function has been reported. Two clinical diagnostic laboratories have submitted clinical-significance assessments for this variant to ClinVar after 2014 without evidence for independent evaluation. All laboratories classified the variant as uncertain significance. Based on the evidence outlined above, the variant was classified as uncertain significance.

Fulgent Genetics
Classification: Uncertain significance for Juvenile myelomonocytic leukemia; CBL-related disorder. Last evaluated: 2021-08-17. Review status: criteria provided, single submitter. Criteria: ACMG Guidelines, 2015. Collection method: clinical testing. Allele origin: unknown.

Laboratory for Molecular Medicine, Mass General Brigham Personalized Medicine
Classification: Uncertain significance. Last evaluated: 2018-02-28. Review status: criteria provided, single submitter. Criteria: LMM Criteria. Collection method: clinical testing. Allele origin: germline.
Comment: Disclaimer: This variant has not undergone full assessment. The following are preliminary notes: GnomAd 11:119155731 C / T: Europeans 6/126718; well conserved; Not in Pubmed, Google search or HGMD; VUS by GeneDx in ClinVar; probably damaging by polyphen

GeneDx
Classification: Uncertain significance. Last evaluated: 2017-01-03. Review status: criteria provided, single submitter. Criteria: GeneDx Variant Classification (06012015). Collection method: clinical testing. Allele origin: germline. Affected: yes.
Comment: The P495L variant has not been published as a pathogenic variant, nor has it been reported as a benign variant to our knowledge. The NHLBI Exome Sequencing Project reports P495L was not observed at any significant frequency. The P495L variant is a semi-conservative amino acid substitution, which may impact secondary protein structure as these residues differ in some properties. This substitution occurs at a position that is conserved across species. However, it is not located within a recognized functional domain. In silico analysis predicts this variant is probably damaging to the protein structure/function. Missense variants in nearby residues have not been reported in the Human Gene Mutation Database (Stenson et al., 2014). Therefore, based on the currently available information, it is unclear whether this variant is a pathogenic variant or a rare benign variant.

Literature cited by the submitters: PubMed 29696744 (cited by Women's Health and Genetics/Laboratory Corporation of America, LabCorp).